The following is an entry in ClinVar:

ClinVar aggregate classification (germline): Benign/Likely benign. Review status: criteria provided, multiple submitters, no conflicts (2 of 4 stars). 3 submissions from 3 submitters: Benign (1); Likely benign (2). Last evaluated 2026-06-01.

Allele frequency attached by ClinVar (database versions not stated): ExAC below 0.00001; 1000 Genomes Project 0.00040; 1000 Genomes Project 30x 0.00094; TOPMed 0.00211; gnomAD exomes 0.00337 and 0.00531.
gnomAD v4.1: 4,013 of 1,267,976 alleles (0.32%); highest among the groups gnomAD compares: Non-Finnish European, 0.37%; 10 homozygotes.

Submissions (3):

CeGaT Center for Human Genetics Tuebingen
Classification: Benign. Last evaluated: 2026-06-01. Review status: criteria provided, single submitter. Criteria: CeGaT Center For Human Genetics Tuebingen Variant Classification Criteria Version 2. Collection method: clinical testing. Allele origin: germline. Affected: yes. Observed: 18 variant alleles.
Comment: CDK13: BP4, BP7, BS1, BS2

Labcorp Genetics (formerly Invitae), Labcorp
Classification: Likely benign. Last evaluated: 2026-02-03. Review status: criteria provided, single submitter. Criteria: Invitae Variant Classification Sherloc (09022015). Collection method: clinical testing. Allele origin: germline.

Blueprint Genetics
Classification: Likely benign. Last evaluated: 2024-11-26. Review status: criteria provided, single submitter. Criteria: ACMG Guidelines, 2015. Collection method: clinical testing. Allele origin: germline.

NM_003718.5(CDK13):c.441G>A (p.Glu147=)

Genes: CDK13 (cyclin dependent kinase 13; plus strand), LOC129998292 (ATAC-STARR-seq lymphoblastoid silent region 18115; plus strand). Cytogenetic location: 7p14.1.
Variant type: single nucleotide variant.
Coding change: c.441G>A on transcript NM_003718.5 (MANE Select); coding-DNA position 441, G replaced by A.
Protein change: p.Glu147=; no amino-acid change (glutamic acid 147 retained).
Molecular consequence: synonymous variant.
Genome position (GRCh38, 1-based): chr7:39,951,082, G>A. VCF-style: chr7-39951082-G-A. GRCh37 (hg19) VCF-style: chr7-39990681-G-A.
Other names: c.441G>A, p.Glu147= (NM_031267.4).
Identifiers: ClinVar variation 732847 (VCV000732847.34), dbSNP rs17496130, ClinGen allele CA4228313.